The following is an entry in ClinVar:

NM_003283.6(TNNT1):c.26A>G (p.Tyr9Cys)

Gene: TNNT1 (troponin T1, slow skeletal type; minus strand). Cytogenetic location: 19q13.42.
Variant type: single nucleotide variant.
Coding change: c.26A>G on transcript NM_003283.6 (MANE Select); coding-DNA position 26, A replaced by G.
Protein change: p.Tyr9Cys; replaces tyrosine 9 with cysteine.
Molecular consequence: missense variant.
Genome position (GRCh38, 1-based): chr19:55,147,132, T>C on the plus strand (A>G on the coding strand, the complement: TNNT1 is on the minus strand). VCF-style: chr19-55147132-T-C. GRCh37 (hg19) VCF-style: chr19-55658500-T-C.
Other names: c.26A>G, p.Tyr9Cys (NM_001126132.3, NM_001126133.3, NM_001291774.2); short protein forms Y9C.
Identifiers: ClinVar variation 969432 (VCV000969432.11), dbSNP rs1449981150, ClinGen allele CA407438670.
Genomic context (GRCh38, chr19:55,147,132, plus strand): 5'-TGGGAGAGCCTCTCCACCACTGCACGCCCCAACCCCTCCCAGTGCAGCACTCACTCCTCA[T>C]ATTCCTGCTCCTCGGTGTCCGACATCCTGGTGCGGCCTAAGGACCAGAGAGAAGAGGCCC-3'
Protein context (NP_003274.3, residues 1-19): MSDTEEQE[Tyr9Cys]EEEQPEEEAA

ClinVar aggregate classification (germline): Uncertain significance. Review status: criteria provided, multiple submitters, no conflicts (2 of 4 stars). 2 submissions from 2 submitters: Uncertain significance (2). Last evaluated 2019-09-30.

Conditions:
Nemaline myopathy 5 (NEM5A). Also called: NEMALINE MYOPATHY 5A, AUTOSOMAL RECESSIVE, SEVERE INFANTILE; Nemaline myopathy 5, Amish type; NEMALINE MYOPATHY, AMISH TYPE. Identifiers: Orphanet 98902, MedGen C1854380, MONDO:0011539, OMIM 605355.

Allele frequency attached by ClinVar (database versions not stated): gnomAD exomes below 0.00001.
gnomAD v4.1: 1 of 1,613,814 alleles (0.000062%); highest among the groups gnomAD compares: Middle Eastern, 0.016%; no homozygotes.

Submissions (2):

Labcorp Genetics (formerly Invitae), Labcorp
Classification: Uncertain significance for Nemaline myopathy 5. Last evaluated: 2019-09-30. Review status: criteria provided, single submitter. Criteria: Invitae Variant Classification Sherloc (09022015). Collection method: clinical testing. Allele origin: germline.
Comment: In summary, the available evidence is currently insufficient to determine the role of this variant in disease. Therefore, it has been classified as a Variant of Uncertain Significance. Algorithms developed to predict the effect of sequence changes on RNA splicing suggest that this variant may create or strengthen a splice site, but this prediction has not been confirmed by published transcriptional studies. This variant has not been reported in the literature in individuals with TNNT1-related conditions. This variant is not present in population databases (ExAC no frequency). This sequence change replaces tyrosine with cysteine at codon 9 of the TNNT1 protein (p.Tyr9Cys). The tyrosine residue is weakly conserved and there is a large physicochemical difference between tyrosine and cysteine.

GeneDx
Classification: Uncertain significance. Last evaluated: 2019-09-12. Review status: criteria provided, single submitter. Criteria: GeneDx Variant Classification Process June 2021. Collection method: clinical testing. Allele origin: germline. Affected: yes.
Comment: Not observed at a significant frequency in large population cohorts (Lek et al., 2016); In silico analysis, which includes protein predictors and evolutionary conservation, supports that this variant does not alter protein structure/function; Has not been previously published as pathogenic or benign to our knowledge